The following is an entry in ClinVar:

NM_198503.5(KCNT2):c.1263G>A (p.Lys421=)

Gene: KCNT2 (potassium sodium-activated channel subfamily T member 2; minus strand). Cytogenetic location: 1q31.3.
Variant type: single nucleotide variant.
Coding change: c.1263G>A on transcript NM_198503.5 (MANE Select); coding-DNA position 1263, G replaced by A.
Protein change: p.Lys421=; no amino-acid change (lysine 421 retained).
Molecular consequence: synonymous variant. On other transcripts: non-coding transcript variant (2).
Genome position (GRCh38, 1-based): chr1:196,398,594, C>T on the plus strand (G>A on the coding strand, the complement: KCNT2 is on the minus strand). VCF-style: chr1-196398594-C-T. GRCh37 (hg19) VCF-style: chr1-196367724-C-T.
Other names: c.1263G>A, p.Lys421= (NM_001287819.3, NM_001287820.3).
Identifiers: ClinVar variation 1675399 (VCV001675399.33), dbSNP rs748731106, ClinGen allele CA1304509.

ClinVar aggregate classification (germline): Uncertain significance (1 of 4 stars; one submission).

Allele frequency attached by ClinVar (database versions not stated): gnomAD exomes below 0.00001; ExAC 0.00001.

Submission:

CeGaT Center for Human Genetics Tuebingen
Classification: Uncertain significance. Last evaluated: 2022-03-01. Review status: criteria provided, single submitter. Criteria: CeGaT Center For Human Genetics Tuebingen Variant Classification Criteria Version 2. Collection method: clinical testing. Allele origin: germline. Affected: yes. Observed: 1 variant allele.
Comment: KCNT2: PM2, BP4